The following is an entry in ClinVar:

ClinVar aggregate classification (germline): Benign (0 of 4 stars; one submission).

Conditions:
HIP1-related disorder. Also called: HIP1-related condition.

Allele frequency attached by ClinVar (database versions not stated): gnomAD exomes 0.07386; TOPMed 0.07773; ESP Exome Variant Server 0.07935; gnomAD 0.08039; ExAC 0.08491; 1000 Genomes Project 30x 0.09385; 1000 Genomes Project 0.09744.
gnomAD v4.1: 120,357 of 1,613,564 alleles (7.5%); highest among the groups gnomAD compares: South Asian, 15%; 5,018 homozygotes.

Submission:

PreventionGenetics, part of Exact Sciences
Classification: Benign for HIP1-related condition. Last evaluated: 2019-10-28. Review status: no assertion criteria provided. Collection method: clinical testing. Allele origin: germline.
Comment: This variant is classified as benign based on ACMG/AMP sequence variant interpretation guidelines (Richards et al. 2015 PMID: 25741868, with internal and published modifications).

NM_005338.7(HIP1):c.519T>C (p.Ala173=)

Gene: HIP1 (huntingtin interacting protein 1; minus strand). Cytogenetic location: 7q11.23.
Variant type: single nucleotide variant.
Coding change: c.519T>C on transcript NM_005338.7 (MANE Select); coding-DNA position 519, T replaced by C.
Protein change: p.Ala173=; no amino-acid change (alanine 173 retained).
Molecular consequence: synonymous variant.
Genome position (GRCh38, 1-based): chr7:75,582,098, A>G on the plus strand (T>C on the coding strand, the complement: HIP1 is on the minus strand). VCF-style: chr7-75582098-A-G. GRCh37 (hg19) VCF-style: chr7-75211414-A-G.
Other names: c.519T>C, p.Ala173= (NM_001243198.3); c.417T>C, p.Ala139= (NM_001382444.1); c.432T>C, p.Ala144= (NM_001382445.1).
Identifiers: ClinVar variation 3059356 (VCV003059356.2), dbSNP rs237238, ClinGen allele CA4302602.